The following is an entry in ClinVar:

ClinVar aggregate classification (germline): Uncertain significance (1 of 4 stars; one submission).

Conditions:
Cardiovascular phenotype. Identifiers: MedGen CN230736.

Submission:

Ambry Genetics
Classification: Uncertain significance for Cardiovascular phenotype. Last evaluated: 2026-07-10. Review status: criteria provided, single submitter. Criteria: Ambry Variant Classification Scheme 2023. Collection method: clinical testing. Allele origin: germline.
Comment: The c.2093-1G>T intronic variant results from a G to T substitution one nucleotide upstream from coding exon 16 of the ABCC9 gene. This variant is considered to be rare based on population cohorts in the Genome Aggregation Database (gnomAD). This nucleotide position is highly conserved in available vertebrate species. In silico splice site analysis predicts that this alteration will weaken the native splice acceptor site and will result in the creation or strengthening of a novel splice acceptor site. Variants that disrupt the canonical splice site are expected to cause aberrant splicing, resulting in an abnormal protein or a transcript that is subject to nonsense-mediated mRNA decay. Although biallelic loss of function of ABCC9 has been associated with autosomal recessive ABCC9-related neurodevelopmental myopathy syndrome, haploinsufficiency of ABCC9 has not been established as a mechanism of disease for autosomal dominant Cant&uacute; syndrome. Based on the supporting evidence, this variant is expected to be causative of autosomal recessive ABCC9-related neurodevelopmental myopathy syndrome when present along with a second pathogenic variant on the other allele; however, its clinical significance for autosomal dominant Cant&uacute; syndrome is unclear.

NM_020297.4(ABCC9):c.2093-1G>T

Gene: ABCC9 (ATP binding cassette subfamily C member 9; minus strand). Cytogenetic location: 12p12.1.
Variant type: single nucleotide variant.
Coding change: c.2093-1G>T on transcript NM_020297.4 (MANE Select); the canonical splice acceptor site of the intron before coding-DNA position 2093, G replaced by T.
Molecular consequence: splice acceptor variant.
Genome position (GRCh38, 1-based): chr12:21,872,731, C>A on the plus strand (G>T on the coding strand, the complement: ABCC9 is on the minus strand). VCF-style: chr12-21872731-C-A. GRCh37 (hg19) VCF-style: chr12-22025665-C-A.
Other names: c.1229-1G>T (NM_001377274.1); c.2093-1G>T (NM_005691.4, NM_001377273.1).
Identifiers: ClinVar variation 5024316 (VCV005024316.1).